The following is an entry in ClinVar:

ClinVar aggregate classification (germline): Likely benign (1 of 4 stars; one submission).

Conditions:
Colorectal cancer, hereditary nonpolyposis, type 7. Identifiers: Orphanet 144, MedGen C1858380, MONDO:0013725, OMIM 614385.

gnomAD v4.1: 1 of 1,607,524 alleles (0.000062%); highest among the groups gnomAD compares: Non-Finnish European, 0.000085%; no homozygotes.

Submission:

Myriad Genetics, Inc.
Classification: Likely benign for Colorectal cancer, hereditary nonpolyposis, type 7. Last evaluated: 2026-04-28. Review status: criteria provided, single submitter. Criteria: Myriad Autosomal Dominant, Autosomal Recessive and X-Linked Classification Criteria (2023). Collection method: clinical testing. Allele origin: unknown.
Comment: This variant is considered likely benign. This variant is intronic and is not expected to impact mRNA splicing.

NM_001040108.2(MLH3):c.3644-17A>C

Gene: MLH3 (mutL homolog 3; minus strand). Cytogenetic location: 14q24.3.
Variant type: single nucleotide variant.
Coding change: c.3644-17A>C on transcript NM_001040108.2 (MANE Select); 17 bases into the intron before coding-DNA position 3644, A replaced by C.
Molecular consequence: intron variant.
Genome position (GRCh38, 1-based): chr14:75,033,507, T>G on the plus strand (A>C on the coding strand, the complement: MLH3 is on the minus strand). VCF-style: chr14-75033507-T-G. GRCh37 (hg19) VCF-style: chr14-75500210-T-G.
Other names: c.3644-1328A>C (NM_014381.3).
Identifiers: ClinVar variation 4875933 (VCV004875933.1).